The following is an entry in ClinVar:

ClinVar aggregate classification (germline): Uncertain significance. Review status: criteria provided, multiple submitters, no conflicts (2 of 4 stars). 5 submissions from 4 submitters: Uncertain significance (4). 1 of the submissions does not count toward it. Last evaluated 2023-11-27.

Conditions:
Retinitis pigmentosa 39 (RP39). Identifiers: Orphanet 791, MedGen C3151138, MONDO:0013436, OMIM 613809.
Usher syndrome type 2A. Also called: RETINAL DISEASE IN USHER SYNDROME TYPE IIA, MODIFIER OF; USHER SYNDROME, TYPE IIA. Identifiers: Orphanet 231178, Orphanet 886, MedGen C1848634, MONDO:0010169, OMIM 276901.
Inborn genetic diseases. Identifiers: MedGen C0950123, MeSH D030342.

Allele frequency attached by ClinVar (database versions not stated): gnomAD exomes below 0.00001 and 0.00001; ExAC 0.00001; gnomAD 0.00002; TOPMed 0.00004.
gnomAD v4.1: 8 of 1,613,972 alleles (0.0005%); highest among the groups gnomAD compares: African/African-American, 0.008%; no homozygotes.

Submissions (5):

Labcorp Genetics (formerly Invitae), Labcorp
Classification: Uncertain significance. Last evaluated: 2023-11-27. Review status: criteria provided, single submitter. Criteria: Invitae Variant Classification Sherloc (09022015). Collection method: clinical testing. Allele origin: germline.
Comment: This sequence change replaces valine, which is neutral and non-polar, with alanine, which is neutral and non-polar, at codon 2829 of the USH2A protein (p.Val2829Ala). This variant is present in population databases (rs759063087, gnomAD 0.01%). This variant has not been reported in the literature in individuals affected with USH2A-related conditions. ClinVar contains an entry for this variant (Variation ID: 845601). Advanced modeling of protein sequence and biophysical properties (such as structural, functional, and spatial information, amino acid conservation, physicochemical variation, residue mobility, and thermodynamic stability) performed at Invitae indicates that this missense variant is not expected to disrupt USH2A protein function with a negative predictive value of 95%. In summary, the available evidence is currently insufficient to determine the role of this variant in disease. Therefore, it has been classified as a Variant of Uncertain Significance.

Genome-Nilou Lab
Classification: Uncertain significance for Retinitis pigmentosa 39. Last evaluated: 2023-11-04. Review status: criteria provided, single submitter. Criteria: ACMG Guidelines, 2015. Collection method: clinical testing. Allele origin: germline. Affected: no.

Genome-Nilou Lab
Classification: Uncertain significance for Usher syndrome type 2A. Last evaluated: 2023-11-04. Review status: criteria provided, single submitter. Criteria: ACMG Guidelines, 2015. Collection method: clinical testing. Allele origin: germline. Affected: no.

Ambry Genetics
Classification: Uncertain significance for Inborn genetic diseases. Last evaluated: 2017-04-12. Review status: criteria provided, single submitter. Criteria: Ambry exome assertion method (8-5-2015). Collection method: clinical testing. Allele origin: germline. Affected: yes. Observed: 1 variant allele.

Natera, Inc.
Classification: Uncertain significance for Usher syndrome type 2A. Last evaluated: 2021-07-07. Review status: no assertion criteria provided. Collection method: clinical testing. Allele origin: germline. Not counted in ClinVar's aggregate classification.

NM_206933.4(USH2A):c.8486T>C (p.Val2829Ala)

Gene: USH2A (usherin; minus strand). Cytogenetic location: 1q41.
Variant type: single nucleotide variant.
Coding change: c.8486T>C on transcript NM_206933.4 (MANE Select); coding-DNA position 8486, T replaced by C.
Protein change: p.Val2829Ala; replaces valine 2829 with alanine.
Molecular consequence: missense variant.
Genome position (GRCh38, 1-based): chr1:215,878,836, A>G on the plus strand (T>C on the coding strand, the complement: USH2A is on the minus strand). VCF-style: chr1-215878836-A-G. GRCh37 (hg19) VCF-style: chr1-216052178-A-G.
Other names: short protein forms V2829A.
Identifiers: ClinVar variation 845601 (VCV000845601.11), dbSNP rs759063087, ClinGen allele CA1394599.